The following is an entry in ClinVar:

NM_000064.4(C3):c.4390C>G (p.His1464Asp)

Gene: C3 (complement C3; minus strand). Cytogenetic location: 19p13.3.
Variant type: single nucleotide variant.
Coding change: c.4390C>G on transcript NM_000064.4 (MANE Select); coding-DNA position 4390, C replaced by G.
Protein change: p.His1464Asp; replaces histidine 1464 with aspartic acid.
Molecular consequence: missense variant.
Genome position (GRCh38, 1-based): chr19:6,680,224, G>C on the plus strand (C>G on the coding strand, the complement: C3 is on the minus strand). VCF-style: chr19-6680224-G-C. GRCh37 (hg19) VCF-style: chr19-6680235-G-C.
Other names: short protein forms H1464D.
Identifiers: ClinVar variation 4280234 (VCV004280234.1).

ClinVar aggregate classification (germline): Uncertain significance (1 of 4 stars; one submission).

Conditions:
Atypical hemolytic-uremic syndrome. Identifiers: Orphanet 2134, MedGen C2931788, MONDO:0016244.

Submission:

Genomenon, Inc
Classification: Uncertain significance for Atypical hemolytic-uremic syndrome. Last evaluated: 2025-09-30. Review status: criteria provided, single submitter. Criteria: Genomenon Sequence Variant Interpretation Standards. Collection method: curation. Allele origin: germline. Affected: yes.
Comment: C3 p.His1464Asp (c.4390C>G) is a missense variant that changes the amino acid at residue 1464 from Histidine to Aspartic acid. This variant has been observed in at least one proband affected with atypical hemolytic-uremic syndrome (PMID:18796626). Functional studies have been reported; however, the significance of the findings remain unclear (PMID:18796626). It is absent or not present at a significant frequency in gnomAD. In conclusion, we classify C3 p.His1464Asp (c.4390C>G) as a variant of unknown significance.

Literature cited by the submitters: PubMed 18796626.